The following is an entry in ClinVar:

NM_000493.4(COL10A1):c.70C>T (p.Arg24Ter)

Genes: NT5DC1 (5'-nucleotidase domain containing 1; plus strand), COL10A1 (collagen type X alpha 1 chain; minus strand). Cytogenetic location: 6q22.1.
Variant type: single nucleotide variant.
Coding change: c.70C>T on transcript NM_000493.4 (MANE Select); coding-DNA position 70, C replaced by T.
Protein change: p.Arg24Ter; replaces arginine 24 with a stop codon.
Molecular consequence: nonsense. On other transcripts: intron variant (1).
Genome position (GRCh38, 1-based): chr6:116,125,423, G>A on the plus strand (C>T on the coding strand, the complement: COL10A1 is on the minus strand). VCF-style: chr6-116125423-G-A. GRCh37 (hg19) VCF-style: chr6-116446586-G-A.
Other names: c.70C>T, p.Arg24Ter (NM_001424106.1, NM_001424107.1); c.529+7478G>A (NM_152729.3); short protein forms R24*.
Identifiers: ClinVar variation 289214 (VCV000289214.11), dbSNP rs199808053, ClinGen allele CA3968508.

ClinVar aggregate classification (germline): Conflicting classifications of pathogenicity. Review status: criteria provided, conflicting classifications (1 of 4 stars). 4 submissions from 4 submitters: Uncertain significance (3); Likely benign (1). Last evaluated 2025-06-24.

Conditions:
Metaphyseal chondrodysplasia, Schmid type (MCDS). Also called: SPONDYLOMETAPHYSEAL DYSPLASIA, JAPANESE TYPE. Identifiers: Orphanet 174, MedGen C0265289, MONDO:0007983, OMIM 156500.

Allele frequency attached by ClinVar (database versions not stated): gnomAD 0.00009; TOPMed 0.00009; ExAC 0.00010; gnomAD exomes 0.00010; ESP Exome Variant Server 0.00015.
gnomAD v4.1: 154 of 1,613,656 alleles (0.0095%); highest among the groups gnomAD compares: South Asian, 0.036%; no homozygotes.

Submissions (4):

Labcorp Genetics (formerly Invitae), Labcorp
Classification: Uncertain significance. Last evaluated: 2025-06-24. Review status: criteria provided, single submitter. Criteria: Invitae Variant Classification Sherloc (09022015). Collection method: clinical testing. Allele origin: germline.
Comment: This sequence change creates a premature translational stop signal (p.Arg24*) in the COL10A1 gene. It is expected to result in an absent or disrupted protein product. However, the current clinical and genetic evidence is not sufficient to establish whether loss-of-function variants in COL10A1 cause disease. This variant is present in population databases (rs199808053, gnomAD 0.03%). This variant has not been reported in the literature in individuals affected with COL10A1-related conditions. ClinVar contains an entry for this variant (Variation ID: 289214). In summary, the available evidence is currently insufficient to determine the role of this variant in disease. Therefore, it has been classified as a Variant of Uncertain Significance.

Blueprint Genetics
Classification: Likely benign. Last evaluated: 2024-09-20. Review status: criteria provided, single submitter. Criteria: ACMG Guidelines, 2015. Collection method: clinical testing. Allele origin: germline.

Department of Pathology and Laboratory Medicine, Sinai Health System
Classification: Uncertain significance for Schmid metaphyseal chondrodysplasia. Last evaluated: 2021-08-30. Review status: criteria provided, single submitter. Criteria: ACMG Guidelines, 2015. Collection method: research. Allele origin: germline.

Eurofins Ntd Llc (ga)
Classification: Uncertain significance. Last evaluated: 2016-08-01. Review status: criteria provided, single submitter. Criteria: EGL Classification Definitions 2015. Collection method: clinical testing. Allele origin: germline. Observed: 1 variant allele, 1 heterozygote.